The following is an entry in ClinVar:

ClinVar aggregate classification (germline): Uncertain significance (1 of 4 stars; one submission).

Submission:

GeneDx
Classification: Uncertain significance. Last evaluated: 2022-10-31. Review status: criteria provided, single submitter. Criteria: GeneDx Variant Classification Process June 2021. Collection method: clinical testing. Allele origin: germline. Affected: yes.
Comment: Not observed at significant frequency in large population cohorts (gnomAD); In silico analysis supports that this missense variant has a deleterious effect on protein structure/function; Has not been previously published as pathogenic or benign to our knowledge

NM_000093.5(COL5A1):c.779A>T (p.Asp260Val)

Gene: COL5A1 (collagen type V alpha 1 chain; plus strand). Cytogenetic location: 9q34.3.
Variant type: single nucleotide variant.
Coding change: c.779A>T on transcript NM_000093.5 (MANE Select); coding-DNA position 779, A replaced by T.
Protein change: p.Asp260Val; replaces aspartic acid 260 with valine.
Molecular consequence: missense variant.
Genome position (GRCh38, 1-based): chr9:134,727,390, A>T. VCF-style: chr9-134727390-A-T. GRCh37 (hg19) VCF-style: chr9-137619236-A-T.
Other names: c.779A>T, p.Asp260Val (NM_001278074.1); short protein forms D260V.
Identifiers: ClinVar variation 2500609 (VCV002500609.1), dbSNP rs2490487719, ClinGen allele CA375446552.